The following is an entry in ClinVar:

ClinVar aggregate classification (germline): Likely benign (1 of 4 stars; one submission).

Submission:

GeneDx
Classification: Likely benign. Last evaluated: 2017-06-02. Review status: criteria provided, single submitter. Criteria: GeneDx Variant Classification (06012015). Collection method: clinical testing. Allele origin: germline. Affected: yes.
Comment: This variant is considered likely benign or benign based on one or more of the following criteria: it is a conservative change, it occurs at a poorly conserved position in the protein, it is predicted to be benign by multiple in silico algorithms, and/or has population frequency not consistent with disease.

NM_001111125.3(IQSEC2):c.504C>G (p.Arg168=)

Gene: IQSEC2 (IQ motif and Sec7 domain ArfGEF 2; minus strand). Cytogenetic location: Xp11.22.
Variant type: single nucleotide variant.
Coding change: c.504C>G on transcript NM_001111125.3 (MANE Select); coding-DNA position 504, C replaced by G.
Protein change: p.Arg168=; no amino-acid change (arginine 168 retained).
Molecular consequence: synonymous variant.
Genome position (GRCh38, 1-based): chrX:53,320,620, G>C on the plus strand (C>G on the coding strand, the complement: IQSEC2 is on the minus strand). VCF-style: chrX-53320620-G-C. GRCh37 (hg19) VCF-style: chrX-53349818-G-C.
Identifiers: ClinVar variation 509887 (VCV000509887.1), dbSNP rs1556880099, ClinGen allele CA516547892.